The following is an entry in ClinVar:

ClinVar aggregate classification (germline): Uncertain significance. Review status: criteria provided, multiple submitters, no conflicts (2 of 4 stars). 3 submissions from 3 submitters: Uncertain significance (3). Last evaluated 2023-02-21.

Conditions:
Hereditary cancer-predisposing syndrome. Also called: Neoplastic Syndromes, Hereditary; Tumor predisposition; Hereditary Cancer Syndrome; Hereditary neoplastic syndrome. Identifiers: Orphanet 140162, MedGen C0027672, MeSH D009386, MONDO:0015356.
Familial cancer of breast. Also called: BREAST CANCER, FAMILIAL; Hereditary breast cancer; hereditary breast carcinoma. Identifiers: Orphanet 227535, MedGen C0346153, MONDO:0016419, OMIM 114480. Disease mechanism: loss of function.

Submissions (3):

Women's Health and Genetics/Laboratory Corporation of America, LabCorp
Classification: Uncertain significance. Last evaluated: 2023-02-21. Review status: criteria provided, single submitter. Criteria: LabCorp Variant Classification Summary - May 2015. Collection method: clinical testing. Allele origin: germline.
Comment: Variant summary: BARD1 c.1079C>G (p.Pro360Arg) results in a non-conservative amino acid change in the encoded protein sequence. Four of five in-silico tools predict a benign effect of the variant on protein function. The variant was absent in 251294 control chromosomes. The available data on variant occurrences in the general population are insufficient to allow any conclusion about variant significance. To our knowledge, no occurrence of c.1079C>G in individuals affected with Breast Cancer and no experimental evidence demonstrating its impact on protein function have been reported. A co-occurrence with a pathogenic variant has been reported via internal testing (BRCA2 c.5576_5579delTTAA, p.Ile1859Lysfs*3). Two clinical diagnostic laboratories have submitted clinical-significance assessments for this variant to ClinVar after 2014 and classified the variant as uncertain significance. Based on the evidence outlined above, the variant was classified as uncertain significance.

Ambry Genetics
Classification: Uncertain significance for Hereditary cancer-predisposing syndrome. Last evaluated: 2022-09-18. Review status: criteria provided, single submitter. Criteria: Ambry Variant Classification Scheme 2023. Collection method: clinical testing. Allele origin: germline.
Comment: The p.P360R variant (also known as c.1079C>G), located in coding exon 4 of the BARD1 gene, results from a C to G substitution at nucleotide position 1079. The proline at codon 360 is replaced by arginine, an amino acid with dissimilar properties. This amino acid position is conserved. In addition, this alteration is predicted to be tolerated by in silico analysis. Since supporting evidence is limited at this time, the clinical significance of this alteration remains unclear.

Labcorp Genetics (formerly Invitae), Labcorp
Classification: Uncertain significance for Familial cancer of breast. Last evaluated: 2022-06-16. Review status: criteria provided, single submitter. Criteria: Invitae Variant Classification Sherloc (09022015). Collection method: clinical testing. Allele origin: germline.
Comment: In summary, the available evidence is currently insufficient to determine the role of this variant in disease. Therefore, it has been classified as a Variant of Uncertain Significance. Algorithms developed to predict the effect of missense changes on protein structure and function (SIFT, PolyPhen-2, Align-GVGD) all suggest that this variant is likely to be tolerated. This variant has not been reported in the literature in individuals affected with BARD1-related conditions. This variant is not present in population databases (gnomAD no frequency). This sequence change replaces proline, which is neutral and non-polar, with arginine, which is basic and polar, at codon 360 of the BARD1 protein (p.Pro360Arg).

NM_000465.4(BARD1):c.1079C>G (p.Pro360Arg)

Gene: BARD1 (BRCA1 associated RING domain 1; minus strand). Cytogenetic location: 2q35.
Variant type: single nucleotide variant.
Coding change: c.1079C>G on transcript NM_000465.4 (MANE Select); coding-DNA position 1079, C replaced by G.
Protein change: p.Pro360Arg; replaces proline 360 with arginine.
Molecular consequence: missense variant. On other transcripts: non-coding transcript variant (2), intron variant (3).
Genome position (GRCh38, 1-based): chr2:214,780,795, G>C on the plus strand (C>G on the coding strand, the complement: BARD1 is on the minus strand). VCF-style: chr2-214780795-G-C. GRCh37 (hg19) VCF-style: chr2-215645519-G-C.
Other names: c.1022C>G, p.Pro341Arg (NM_001282543.2); c.159-28240C>G (NM_001282548.2); c.215+16266C>G (NM_001282545.2); c.364+11502C>G (NM_001282549.2); c.1079C>G (NM_000465.3); short protein forms P341R, P360R.
Identifiers: ClinVar variation 1785708 (VCV001785708.8), dbSNP rs2106108816, ClinGen allele CA350454100.